The following is an entry in ClinVar:

ClinVar aggregate classification (germline): Pathogenic (1 of 4 stars; one submission).

Conditions:
Familial cancer of breast. Also called: hereditary breast carcinoma; Hereditary breast cancer; BREAST CANCER, FAMILIAL. Identifiers: Orphanet 227535, MedGen C0346153, MONDO:0016419, OMIM 114480. Disease mechanism: loss of function.

Submission:

Labcorp Genetics (formerly Invitae), Labcorp
Classification: Pathogenic for Familial cancer of breast. Last evaluated: 2021-06-15. Review status: criteria provided, single submitter. Criteria: Invitae Variant Classification Sherloc (09022015). Collection method: clinical testing. Allele origin: germline.
Comment: For these reasons, this variant has been classified as Pathogenic. This variant has not been reported in the literature in individuals with PALB2-related conditions. ClinVar contains an entry for this variant (Variation ID: 220310). This variant is not present in population databases (ExAC no frequency). This sequence change creates a premature translational stop signal (p.Asn1096Valfs*4) in the PALB2 gene. It is expected to result in an absent or disrupted protein product. Loss-of-function variants in PALB2 are known to be pathogenic (PMID: 17200668, 24136930, 25099575).

Literature cited by the submitters: PubMed 17200668; PubMed 24136930; PubMed 25099575.

NM_024675.4(PALB2):c.3285delinsGTTAATG (p.Ile1095delinsMetLeuMet)

Gene: PALB2 (partner and localizer of BRCA2; minus strand). Cytogenetic location: 16p12.2.
Variant type: Indel.
Coding change: c.3285delinsGTTAATG on transcript NM_024675.4 (MANE Select); coding-DNA position 3285, T replaced by GTTAATG.
Protein change: p.Ile1095delinsMetLeuMet.
Molecular consequence: inframe indel. On other transcripts: intron variant (8).
Genome position (GRCh38, 1-based): chr16:23,607,929, A replaced by CATTAAC on the plus strand (T replaced by GTTAATG on the coding strand, the reverse complement: PALB2 is on the minus strand). VCF-style: chr16-23607929-A-CATTAAC. GRCh37 (hg19) VCF-style: chr16-23619250-A-CATTAAC.
Other names: c.3225delinsGTTAATG, p.Ile1075delinsMetLeuMet (NM_001407296.1); c.3213delinsGTTAATG, p.Ile1071delinsMetLeuMet (NM_001407297.1); c.3123delinsGTTAATG, p.Ile1041delinsMetLeuMet (NM_001407298.1); c.3006delinsGTTAATG, p.Ile1002delinsMetLeuMet (NM_001407300.1); c.2400delinsGTTAATG, p.Ile800delinsMetLeuMet (NM_001407304.1, NM_001407305.1, NM_001407306.1); c.2238delinsGTTAATG, p.Ile746delinsMetLeuMet (NM_001407307.1); c.1497delinsGTTAATG, p.Ile499delinsMetLeuMet (NM_001407312.1); c.819delinsGTTAATG, p.Ile273delinsMetLeuMet (NM_001407314.1); and 6 more.
Identifiers: ClinVar variation 3010202 (VCV003010202.3), dbSNP rs2506216070, ClinGen allele CA2740093277.